The following is an entry in ClinVar:

NM_001142800.2:c.2024-5718_2260-10064del

Gene: EYS (EGF-like photoreceptor maintenance factor; minus strand).
Variant type: Deletion.
Other names: NC_000006.11:g.65665873_65773340del; NP_001136272.1:p.(Gly675Glnfs*9); c.2024-5718_2260-10064del (NM_001142800.2).
Identifiers: ClinVar variation 2577512 (VCV002577512.2).

ClinVar aggregate classification (germline): Pathogenic (1 of 4 stars; one submission).

Conditions:
Retinitis pigmentosa (RP). Identifiers: Orphanet 791, MedGen C0035334, MeSH D012174, MONDO:0019200, OMIM 268000. Inheritance: Autosomal dominant, autosomal recessive and X linked inheritance.

Submission:

Ophthalmic Genetics Group, Institute of Molecular and Clinical Ophthalmology Basel
Classification: Pathogenic for Retinitis pigmentosa. Last evaluated: 2023-07-24. Review status: criteria provided, single submitter. Criteria: ACMG Guidelines, 2015. Collection method: research. Allele origin: germline. Affected: yes. Observed: 9 variant alleles.
Comment: Clinical significance based on ACMG v2.0

This variant corresponds to a deletion of 107.5 kb encompassing exons 13 and 14 of the gene EYS, with breakpoints within introns 12 and 14, which were confirmed by PCR. This variant was detected in 9 different families in Portugal (8 times homozygously) and represents a founder mutation in this country.

Literature cited by the submitters: PubMed 36909829.